The following is an entry in ClinVar:

ClinVar aggregate classification (germline): Uncertain significance (1 of 4 stars; one submission).

Submission:

Ambry Genetics
Classification: Uncertain significance. Last evaluated: 2023-10-25. Review status: criteria provided, single submitter. Criteria: Ambry Variant Classification Scheme 2023. Collection method: clinical testing. Allele origin: germline.
Comment: The p.V731L variant (also known as c.2191G>C), located in coding exon 18 of the BUB1 gene, results from a G to C substitution at nucleotide position 2191. The valine at codon 731 is replaced by leucine, an amino acid with highly similar properties. This amino acid position is conserved. In addition, this alteration is predicted to be tolerated by in silico analysis. Since supporting evidence is limited at this time, the clinical significance of this alteration remains unclear.

NM_004336.5(BUB1):c.2191G>C (p.Val731Leu)

Gene: BUB1 (BUB1 mitotic checkpoint serine/threonine kinase; minus strand). Cytogenetic location: 2q13.
Variant type: single nucleotide variant.
Coding change: c.2191G>C on transcript NM_004336.5 (MANE Select); coding-DNA position 2191, G replaced by C.
Protein change: p.Val731Leu; replaces valine 731 with leucine.
Molecular consequence: missense variant.
Genome position (GRCh38, 1-based): chr2:110,650,558, C>G on the plus strand (G>C on the coding strand, the complement: BUB1 is on the minus strand). VCF-style: chr2-110650558-C-G. GRCh37 (hg19) VCF-style: chr2-111408135-C-G.
Other names: c.2131G>C, p.Val711Leu (NM_001278616.2); c.2191G>C, p.Val731Leu (NM_001278617.2); short protein forms V711L, V731L.
Identifiers: ClinVar variation 3224038 (VCV003224038.1), dbSNP rs2467990529, ClinGen allele CA348209702.
Genomic context (GRCh38, chr2:110,650,558, plus strand): 5'-ATGCTCCTGTCCTGATTCAAGGGCATAACAAAGAGTGAGTGTTCGTACTTGGAGCATCAA[C>G]AGTCCCAAGTGAACTCATCTGCATCCATTCTGCTTGGAGCCCAGCAATAGCATCTGGTGG-3'
Protein context (NP_004327.1, residues 721-741): EWMQMSSLGT[Val731Leu]DAPNFIVGNP